The following is an entry in ClinVar:

NM_001165963.4(SCN1A):c.474-113T>C

Gene: SCN1A (sodium voltage-gated channel alpha subunit 1; minus strand). Cytogenetic location: 2q24.3.
Variant type: single nucleotide variant.
Coding change: c.474-113T>C on transcript NM_001165963.4 (MANE Select); 113 bases into the intron before coding-DNA position 474, T replaced by C.
Molecular consequence: intron variant.
Genome position (GRCh38, 1-based): chr2:166,054,879, A>G on the plus strand (T>C on the coding strand, the complement: SCN1A is on the minus strand). VCF-style: chr2-166054879-A-G. GRCh37 (hg19) VCF-style: chr2-166911389-A-G.
Other names: c.474-113T>C (NM_001353949.2, NM_001353958.2, NM_001353950.2 and 10 more transcripts); c.-1952-113T>C (NM_001353961.2).
Identifiers: ClinVar variation 676016 (VCV000676016.1), dbSNP rs10930200, ClinGen allele CA59803173.

ClinVar aggregate classification (germline): Benign (1 of 4 stars; one submission).

Allele frequency attached by ClinVar (database versions not stated): gnomAD exomes 0.00182; gnomAD 0.01886 and 0.02027; TOPMed 0.02204; 1000 Genomes Project 0.02396; 1000 Genomes Project 30x 0.02436.
gnomAD v4.1: 4,371 of 940,344 alleles (0.46%); highest among the groups gnomAD compares: African/African-American, 6.4%; 145 homozygotes.

Submission:

GeneDx
Classification: Benign. Last evaluated: 2018-06-14. Review status: criteria provided, single submitter. Criteria: GeneDx Variant Classification (06012015). Collection method: clinical testing. Allele origin: germline. Affected: yes.
Comment: This variant is considered likely benign or benign based on one or more of the following criteria: it is a conservative change, it occurs at a poorly conserved position in the protein, it is predicted to be benign by multiple in silico algorithms, and/or has population frequency not consistent with disease.